The following is an entry in ClinVar:

NM_001113378.2(FANCI):c.211TGT[1] (p.Cys72del)

Gene: FANCI (FA complementation group I; plus strand). Cytogenetic location: 15q26.1.
Variant type: Microsatellite.
Coding change: c.211TGT[1] on transcript NM_001113378.2 (MANE Select); one copy of the 3-base unit TGT starting at c.211; the reference has two copies in a row; one copy, 3 bases deleted.
Protein change: p.Cys72del; deletes cysteine 72.
Molecular consequence: inframe deletion. On other transcripts: 5 prime UTR variant (1).
Genome position (GRCh38, 1-based): chr15:89,260,769-89,260,771, TGT deleted; deleting any 3 consecutive bases within chr15:89,260,765-89,260,771 gives the same sequence; the position shown is the placement nearest the transcript's 3' end. VCF-style (leftmost placement, unchanged base first): chr15-89260764-CTTG-C. GRCh37 (hg19) VCF-style: chr15-89803995-CTTG-C.
Other names: c.-69TGT[1] (NM_001376910.1); c.211TGT[1], p.Cys72del (NM_001376911.1, NM_018193.3); short protein forms C72del.
Identifiers: ClinVar variation 2859092 (VCV002859092.3), dbSNP rs1245423588, ClinGen allele CA619508780.

ClinVar aggregate classification (germline): Uncertain significance (1 of 4 stars; one submission).

Conditions:
Fanconi anemia (FA). Also called: Fanconi's anemia. Identifiers: Orphanet 84, MedGen C0015625, MeSH D005199, MONDO:0019391.

Submission:

Labcorp Genetics (formerly Invitae), Labcorp
Classification: Uncertain significance for Fanconi anemia. Last evaluated: 2022-11-15. Review status: criteria provided, single submitter. Criteria: Invitae Variant Classification Sherloc (09022015). Collection method: clinical testing. Allele origin: germline.
Comment: In summary, the available evidence is currently insufficient to determine the role of this variant in disease. Therefore, it has been classified as a Variant of Uncertain Significance. Experimental studies and prediction algorithms are not available or were not evaluated, and the functional significance of this variant is currently unknown. This variant has not been reported in the literature in individuals affected with FANCI-related conditions. This variant is present in population databases (no rsID available, gnomAD 0.006%). This variant, c.214_216del, results in the deletion of 1 amino acid(s) of the FANCI protein (p.Cys72del), but otherwise preserves the integrity of the reading frame.